The following is an entry in ClinVar:

NM_022114.4(PRDM16):c.412T>C (p.Ser138Pro)

Gene: PRDM16 (PR/SET domain 16; plus strand). Cytogenetic location: 1p36.32.
Variant type: single nucleotide variant.
Coding change: c.412T>C on transcript NM_022114.4 (MANE Select); coding-DNA position 412, T replaced by C.
Protein change: p.Ser138Pro; replaces serine 138 with proline.
Molecular consequence: missense variant.
Genome position (GRCh38, 1-based): chr1:3,244,111, T>C. VCF-style: chr1-3244111-T-C. GRCh37 (hg19) VCF-style: chr1-3160675-T-C.
Other names: c.412T>C, p.Ser138Pro (NM_199454.3); c.412T>C (NM_022114.3); short protein forms S138P.
Identifiers: ClinVar variation 1000807 (VCV001000807.9), dbSNP rs1346765382, ClinGen allele CA338216067.

ClinVar aggregate classification (germline): Uncertain significance. Review status: criteria provided, multiple submitters, no conflicts (2 of 4 stars). 2 submissions from 2 submitters: Uncertain significance (2). Last evaluated 2024-12-26.

Conditions:
Left ventricular noncompaction 8 (LVNC8). Identifiers: Orphanet 154, Orphanet 54260, MedGen C3809288, MONDO:0014152, OMIM 615373.

Allele frequency attached by ClinVar (database versions not stated): gnomAD exomes below 0.00001; gnomAD 0.00001; TOPMed 0.00001.
gnomAD v4.1: 1 of 1,613,818 alleles (0.000062%); highest among the groups gnomAD compares: Admixed American, 0.0017%; no homozygotes.

Submissions (2):

GeneDx
Classification: Uncertain significance. Last evaluated: 2024-12-26. Review status: criteria provided, single submitter. Criteria: GeneDx Variant Classification Process June 2021. Collection method: clinical testing. Allele origin: germline. Affected: yes.
Comment: Not observed at significant frequency in large population cohorts (gnomAD); In silico analysis indicates that this missense variant does not alter protein structure/function; Has not been previously published as pathogenic or benign to our knowledge

Labcorp Genetics (formerly Invitae), Labcorp
Classification: Uncertain significance for Left ventricular noncompaction 8. Last evaluated: 2022-07-19. Review status: criteria provided, single submitter. Criteria: Invitae Variant Classification Sherloc (09022015). Collection method: clinical testing. Allele origin: germline.
Comment: This variant is present in population databases (no rsID available, gnomAD 0.003%). In summary, the available evidence is currently insufficient to determine the role of this variant in disease. Therefore, it has been classified as a Variant of Uncertain Significance. Algorithms developed to predict the effect of missense changes on protein structure and function output the following: SIFT: "Deleterious"; PolyPhen-2: "Benign"; Align-GVGD: "Class C0". The proline amino acid residue is found in multiple mammalian species, which suggests that this missense change does not adversely affect protein function. ClinVar contains an entry for this variant (Variation ID: 1000807). This variant has not been reported in the literature in individuals affected with PRDM16-related conditions. This sequence change replaces serine, which is neutral and polar, with proline, which is neutral and non-polar, at codon 138 of the PRDM16 protein (p.Ser138Pro).